The following is an entry in ClinVar:

NM_014915.3(ANKRD26):c.3394G>A (p.Val1132Ile)

Gene: ANKRD26 (ankyrin repeat domain 26; minus strand). Cytogenetic location: 10p12.1.
Variant type: single nucleotide variant.
Coding change: c.3394G>A on transcript NM_014915.3 (MANE Select); coding-DNA position 3394, G replaced by A.
Protein change: p.Val1132Ile; replaces valine 1132 with isoleucine.
Molecular consequence: missense variant.
Genome position (GRCh38, 1-based): chr10:27,035,056, C>T on the plus strand (G>A on the coding strand, the complement: ANKRD26 is on the minus strand). VCF-style: chr10-27035056-C-T. GRCh37 (hg19) VCF-style: chr10-27323985-C-T.
Other names: c.3391G>A, p.Val1131Ile (NM_001256053.2); short protein forms V1131I, V1132I.
Identifiers: ClinVar variation 4842366 (VCV004842366.1).

ClinVar aggregate classification (germline): Uncertain significance (1 of 4 stars; one submission).

Conditions:
Inborn genetic diseases. Identifiers: MedGen C0950123, MeSH D030342.

Submission:

Ambry Genetics
Classification: Uncertain significance for Inborn genetic diseases. Last evaluated: 2026-01-12. Review status: criteria provided, single submitter. Criteria: Ambry Variant Classification Scheme 2023. Collection method: clinical testing. Allele origin: germline.
Comment: The p.V1132I variant (also known as c.3394G>A), located in coding exon 24 of the ANKRD26 gene, results from a G to A substitution at nucleotide position 3394. The valine at codon 1132 is replaced by isoleucine, an amino acid with highly similar properties. This amino acid position is conserved. In addition, this alteration is predicted to be tolerated by in silico analysis. Based on the available evidence, the clinical significance of this variant remains unclear.